The following is an entry in ClinVar:

NM_001382430.1(AKT1):c.916A>G (p.Met306Val)

Gene: AKT1 (AKT serine/threonine kinase 1; minus strand). Cytogenetic location: 14q32.33.
Variant type: single nucleotide variant.
Coding change: c.916A>G on transcript NM_001382430.1 (MANE Select); coding-DNA position 916, A replaced by G.
Protein change: p.Met306Val; replaces methionine 306 with valine.
Molecular consequence: missense variant.
Genome position (GRCh38, 1-based): chr14:104,773,292, T>C on the plus strand (A>G on the coding strand, the complement: AKT1 is on the minus strand). VCF-style: chr14-104773292-T-C. GRCh37 (hg19) VCF-style: chr14-105239629-T-C.
Other names: c.916A>G, p.Met306Val (NM_001014431.2, NM_001014432.2, NM_001382431.1 and 3 more transcripts); short protein forms M306V.
Identifiers: ClinVar variation 852893 (VCV000852893.9), dbSNP rs1892503990, ClinGen allele CA391217690.

ClinVar aggregate classification (germline): Uncertain significance (1 of 4 stars; one submission).

Conditions:
Cowden syndrome 6 (CWS6). Identifiers: Orphanet 201, MedGen C3554519, MONDO:0014048, OMIM 615109.

Submission:

Labcorp Genetics (formerly Invitae), Labcorp
Classification: Uncertain significance for Cowden syndrome 6. Last evaluated: 2019-11-28. Review status: criteria provided, single submitter. Criteria: Invitae Variant Classification Sherloc (09022015). Collection method: clinical testing. Allele origin: germline.
Comment: This variant has not been reported in the literature in individuals with AKT1-related conditions. This sequence change replaces methionine with valine at codon 306 of the AKT1 protein (p.Met306Val). The methionine residue is moderately conserved and there is a small physicochemical difference between methionine and valine. This variant is not present in population databases (ExAC no frequency). Algorithms developed to predict the effect of missense changes on protein structure and function are either unavailable or do not agree on the potential impact of this missense change (SIFT: "Tolerated"; PolyPhen-2: "Possibly Damaging"; Align-GVGD: "Class C0"). In summary, the available evidence is currently insufficient to determine the role of this variant in disease. Therefore, it has been classified as a Variant of Uncertain Significance.